The following is an entry in ClinVar:

NM_004525.3(LRP2):c.13477G>A (p.Gly4493Ser)

Gene: LRP2 (LDL receptor related protein 2; minus strand). Cytogenetic location: 2q31.1.
Variant type: single nucleotide variant.
Coding change: c.13477G>A on transcript NM_004525.3 (MANE Select); coding-DNA position 13477, G replaced by A.
Protein change: p.Gly4493Ser; replaces glycine 4493 with serine.
Molecular consequence: missense variant.
Genome position (GRCh38, 1-based): chr2:169,138,618, C>T on the plus strand (G>A on the coding strand, the complement: LRP2 is on the minus strand). VCF-style: chr2-169138618-C-T. GRCh37 (hg19) VCF-style: chr2-169995128-C-T.
Other names: short protein forms G4493S.
Identifiers: ClinVar variation 1496649 (VCV001496649.8), dbSNP rs2105336631, ClinGen allele CA349154873.

ClinVar aggregate classification (germline): Uncertain significance (1 of 4 stars; one submission).

Submission:

Labcorp Genetics (formerly Invitae), Labcorp
Classification: Uncertain significance. Last evaluated: 2021-06-26. Review status: criteria provided, single submitter. Criteria: Invitae Variant Classification Sherloc (09022015). Collection method: clinical testing. Allele origin: germline.
Comment: This sequence change replaces glycine with serine at codon 4493 of the LRP2 protein (p.Gly4493Ser). The glycine residue is moderately conserved and there is a small physicochemical difference between glycine and serine. This variant is not present in population databases (ExAC no frequency). This variant has not been reported in the literature in individuals affected with LRP2-related conditions. In summary, the available evidence is currently insufficient to determine the role of this variant in disease. Therefore, it has been classified as a Variant of Uncertain Significance. Advanced modeling of protein sequence and biophysical properties (such as structural, functional, and spatial information, amino acid conservation, physicochemical variation, residue mobility, and thermodynamic stability) performed at Invitae indicates that this missense variant is not expected to disrupt LRP2 protein function.